The following is an entry in ClinVar:

ClinVar aggregate classification (germline): Uncertain significance. Review status: criteria provided, multiple submitters, no conflicts (2 of 4 stars). 2 submissions from 2 submitters: Uncertain significance (2). Last evaluated 2024-03-25.

Allele frequency attached by ClinVar (database versions not stated): gnomAD exomes 0.00026; TOPMed 0.00027; gnomAD 0.00029 and 0.00032; ExAC 0.00032; ESP Exome Variant Server 0.00054; 1000 Genomes Project 0.00060; 1000 Genomes Project 30x 0.00062.
gnomAD v4.1: 282 of 1,613,242 alleles (0.017%); highest among the groups gnomAD compares: South Asian, 0.1%; 1 homozygote.

Submissions (2):

GeneDx
Classification: Uncertain significance. Last evaluated: 2024-03-25. Review status: criteria provided, single submitter. Criteria: GeneDx Variant Classification Process June 2021. Collection method: clinical testing. Allele origin: germline. Affected: yes.
Comment: In silico analysis supports that this missense variant has a deleterious effect on protein structure/function; Has not been previously published as pathogenic or benign to our knowledge

Labcorp Genetics (formerly Invitae), Labcorp
Classification: Uncertain significance. Last evaluated: 2022-07-24. Review status: criteria provided, single submitter. Criteria: Invitae Variant Classification Sherloc (09022015). Collection method: clinical testing. Allele origin: germline.
Comment: This sequence change replaces arginine, which is basic and polar, with tryptophan, which is neutral and slightly polar, at codon 235 of the PLOD3 protein (p.Arg235Trp). This variant is present in population databases (rs146134980, gnomAD 0.1%). This variant has not been reported in the literature in individuals affected with PLOD3-related conditions. ClinVar contains an entry for this variant (Variation ID: 1523116). Algorithms developed to predict the effect of missense changes on protein structure and function are either unavailable or do not agree on the potential impact of this missense change (SIFT: "Deleterious"; PolyPhen-2: "Possibly Damaging"; Align-GVGD: "Class C15"). In summary, the available evidence is currently insufficient to determine the role of this variant in disease. Therefore, it has been classified as a Variant of Uncertain Significance.

NM_001084.5(PLOD3):c.703C>T (p.Arg235Trp)

Gene: PLOD3 (procollagen-lysine,2-oxoglutarate 5-dioxygenase 3; minus strand). Cytogenetic location: 7q22.1.
Variant type: single nucleotide variant.
Coding change: c.703C>T on transcript NM_001084.5 (MANE Select); coding-DNA position 703, C replaced by T.
Protein change: p.Arg235Trp; replaces arginine 235 with tryptophan.
Molecular consequence: missense variant.
Genome position (GRCh38, 1-based): chr7:101,213,181, G>A on the plus strand (C>T on the coding strand, the complement: PLOD3 is on the minus strand). VCF-style: chr7-101213181-G-A. GRCh37 (hg19) VCF-style: chr7-100856462-G-A.
Other names: c.703C>T (NM_001084.4); short protein forms R235W.
Identifiers: ClinVar variation 1523116 (VCV001523116.6), dbSNP rs146134980, ClinGen allele CA4408062.